The following is an entry in ClinVar:

ClinVar aggregate classification (germline): Uncertain significance (1 of 4 stars; one submission).

gnomAD v4.1: 1 of 1,614,026 alleles (0.000062%); highest among the groups gnomAD compares: African/African-American, 0.0013%; no homozygotes.

Submission:

Labcorp Genetics (formerly Invitae), Labcorp
Classification: Uncertain significance. Last evaluated: 2022-04-16. Review status: criteria provided, single submitter. Criteria: Invitae Variant Classification Sherloc (09022015). Collection method: clinical testing. Allele origin: germline.
Comment: In summary, the available evidence is currently insufficient to determine the role of this variant in disease. Therefore, it has been classified as a Variant of Uncertain Significance. Advanced modeling of protein sequence and biophysical properties (such as structural, functional, and spatial information, amino acid conservation, physicochemical variation, residue mobility, and thermodynamic stability) performed at Invitae indicates that this missense variant is not expected to disrupt MTOR protein function. This variant has not been reported in the literature in individuals affected with MTOR-related conditions. This variant is not present in population databases (gnomAD no frequency). This sequence change replaces tyrosine, which is neutral and polar, with serine, which is neutral and polar, at codon 336 of the MTOR protein (p.Tyr336Ser).

NM_004958.4(MTOR):c.1007A>C (p.Tyr336Ser)

Gene: MTOR (mechanistic target of rapamycin kinase; minus strand). Cytogenetic location: 1p36.22.
Variant type: single nucleotide variant.
Coding change: c.1007A>C on transcript NM_004958.4 (MANE Select); coding-DNA position 1007, A replaced by C.
Protein change: p.Tyr336Ser; replaces tyrosine 336 with serine.
Molecular consequence: missense variant. On other transcripts: 5 prime UTR variant (1).
Genome position (GRCh38, 1-based): chr1:11,247,928, T>G on the plus strand (A>C on the coding strand, the complement: MTOR is on the minus strand). VCF-style: chr1-11247928-T-G. GRCh37 (hg19) VCF-style: chr1-11307985-T-G.
Other names: c.1007A>C, p.Tyr336Ser (NM_001386500.1); c.-133A>C (NM_001386501.1); short protein forms Y336S.
Identifiers: ClinVar variation 2126724 (VCV002126724.4), dbSNP rs1257592579, ClinGen allele CA338399885.